The following is an entry in ClinVar:

ClinVar aggregate classification (germline): Likely benign (0 of 4 stars; one submission).

Conditions:
SPTAN1-related disorder. Also called: SPTAN1-related condition; SPTAN1-related disorders.

Allele frequency attached by ClinVar (database versions not stated): gnomAD exomes below 0.00001; ExAC 0.00001.
gnomAD v4.1: 2 of 1,614,158 alleles (0.00012%); highest among the groups gnomAD compares: African/African-American, 0.0013%; no homozygotes.

Submission:

PreventionGenetics, part of Exact Sciences
Classification: Likely benign for SPTAN1-related condition. Last evaluated: 2023-07-18. Review status: no assertion criteria provided. Collection method: clinical testing. Allele origin: germline.
Comment: This variant is classified as likely benign based on ACMG/AMP sequence variant interpretation guidelines (Richards et al. 2015 PMID: 25741868, with internal and published modifications).

NM_001130438.3(SPTAN1):c.2931C>T (p.Asp977=)

Gene: SPTAN1 (spectrin alpha, non-erythrocytic 1; plus strand). Cytogenetic location: 9q34.11.
Variant type: single nucleotide variant.
Coding change: c.2931C>T on transcript NM_001130438.3 (MANE Select); coding-DNA position 2931, C replaced by T.
Protein change: p.Asp977=; no amino-acid change (aspartic acid 977 retained).
Molecular consequence: synonymous variant.
Genome position (GRCh38, 1-based): chr9:128,588,868, C>T. VCF-style: chr9-128588868-C-T. GRCh37 (hg19) VCF-style: chr9-131351147-C-T.
Other names: c.2931C>T, p.Asp977= (NM_001195532.2, NM_001363759.2, NM_001363765.2 and 5 more transcripts); c.2967C>T, p.Asp989= (NM_001375312.2, NM_001375318.1).
Identifiers: ClinVar variation 3049104 (VCV003049104.2), dbSNP rs780460157, ClinGen allele CA5264774.
Genomic context (GRCh38, chr9:128,588,868, plus strand): 5'-GCAACAAGTGGCCCCCACGGATGATGAGACTGGGAAGGAGCTGGTCTTGGCTCTCTACGA[C>T]TATCAGGAGAAGAGTCCCCGAGAGGTCACCATGAAGAAGGGAGATATCCTTACCTTACTC-3'
Protein context (NP_001123910.1, residues 967-987): TGKELVLALY[Asp977=]YQEKSPREVT